The following is an entry in ClinVar:

ClinVar aggregate classification (germline): Uncertain significance. Review status: criteria provided, multiple submitters, no conflicts (2 of 4 stars). 2 submissions from 2 submitters: Uncertain significance (2). Last evaluated 2025-11-23.

Conditions:
Hereditary spastic paraplegia 73. Also called: Spastic paraplegia 73, autosomal dominant. Identifiers: Orphanet 444099, MedGen C5568981, MONDO:0014568, OMIM 616282.

Allele frequency attached by ClinVar (database versions not stated): gnomAD exomes 0.00037 and 0.00013; ExAC 0.00008; gnomAD 0.00015; TOPMed 0.00018; ESP Exome Variant Server 0.00023.
gnomAD v4.1: 578 of 1,613,996 alleles (0.036%); highest among the groups gnomAD compares: Non-Finnish European, 0.046%; 1 homozygote.

Submissions (2):

Labcorp Genetics (formerly Invitae), Labcorp
Classification: Uncertain significance for Hereditary spastic paraplegia 73. Last evaluated: 2025-11-23. Review status: criteria provided, single submitter. Criteria: Invitae Variant Classification Sherloc (09022015). Collection method: clinical testing. Allele origin: germline.
Comment: This sequence change replaces serine, which is neutral and polar, with asparagine, which is neutral and polar, at codon 67 of the CPT1C protein (p.Ser67Asn). This variant is present in population databases (rs151219989, gnomAD 0.03%). This variant has not been reported in the literature in individuals affected with CPT1C-related conditions. ClinVar contains an entry for this variant (Variation ID: 1035925). An algorithm developed to predict the effect of missense changes on protein structure and function (PolyPhen-2) suggests that this variant is likely to be tolerated. In summary, the available evidence is currently insufficient to determine the role of this variant in disease. Therefore, it has been classified as a Variant of Uncertain Significance.

Ambry Genetics
Classification: Uncertain significance. Last evaluated: 2021-07-06. Review status: criteria provided, single submitter. Criteria: Ambry Variant Classification Scheme 2023. Collection method: clinical testing. Allele origin: germline.

NM_001199753.2(CPT1C):c.200G>A (p.Ser67Asn)

Gene: CPT1C (carnitine palmitoyltransferase 1C; plus strand). Cytogenetic location: 19q13.33.
Variant type: single nucleotide variant.
Coding change: c.200G>A on transcript NM_001199753.2 (MANE Select); coding-DNA position 200, G replaced by A.
Protein change: p.Ser67Asn; replaces serine 67 with asparagine.
Molecular consequence: missense variant. On other transcripts: non-coding transcript variant (1).
Genome position (GRCh38, 1-based): chr19:49,697,384, G>A. VCF-style: chr19-49697384-G-A. GRCh37 (hg19) VCF-style: chr19-50200641-G-A.
Other names: c.200G>A, p.Ser67Asn (NM_001136052.3, NM_001199752.3, NM_001378482.1 and 7 more transcripts); c.200G>A (NM_001199752.1); short protein forms S67N.
Identifiers: ClinVar variation 1035925 (VCV001035925.9), dbSNP rs151219989, ClinGen allele CA9581714.